The following is an entry in ClinVar:

NM_000268.4(NF2):c.598A>G (p.Arg200Gly)

Gene: NF2 (NF2, moesin-ezrin-radixin like (MERLIN) tumor suppressor; plus strand). Cytogenetic location: 22q12.2.
Variant type: single nucleotide variant.
Coding change: c.598A>G on transcript NM_000268.4 (MANE Select); coding-DNA position 598, A replaced by G.
Protein change: p.Arg200Gly; replaces arginine 200 with glycine.
Molecular consequence: missense variant. On other transcripts: non-coding transcript variant (1), intron variant (1).
Genome position (GRCh38, 1-based): chr22:29,655,675, A>G. VCF-style: chr22-29655675-A-G. GRCh37 (hg19) VCF-style: chr22-30051664-A-G.
Other names: c.598A>G, p.Arg200Gly (NM_181832.3, NM_016418.5, NM_181825.3); c.447+13390A>G (NM_181833.3); c.472A>G, p.Arg158Gly (NM_181828.3); c.475A>G, p.Arg159Gly (NM_181829.3); c.349A>G, p.Arg117Gly (NM_181830.3, NM_181831.3); short protein forms R200G, R117G, R159G, R158G.
Identifiers: ClinVar variation 1047674 (VCV001047674.16), dbSNP rs1487106309, ClinGen allele CA411142722.

ClinVar aggregate classification (germline): Uncertain significance. Review status: criteria provided, multiple submitters, no conflicts (2 of 4 stars). 5 submissions from 5 submitters: Uncertain significance (5). Last evaluated 2025-12-09.

Conditions:
Neurofibromatosis, type 2 (SWNV). Also called: BILATERAL ACOUSTIC NEUROFIBROMATOSIS; NF2-Related Schwannomatosis; SCHWANNOMATOSIS, VESTIBULAR. Identifiers: Orphanet 637, MedGen C0027832, MONDO:0007039, OMIM 101000. Disease mechanism: loss of function.
Hereditary cancer-predisposing syndrome. Also called: Neoplastic Syndromes, Hereditary; Hereditary Cancer Syndrome; Hereditary neoplastic syndrome; Tumor predisposition. Identifiers: Orphanet 140162, MedGen C0027672, MeSH D009386, MONDO:0015356.

Allele frequency attached by ClinVar (database versions not stated): gnomAD exomes below 0.00001; gnomAD 0.00001; TOPMed 0.00001.
gnomAD v4.1: 5 of 1,608,902 alleles (0.00031%); highest among the groups gnomAD compares: Non-Finnish European, 0.00043%; no homozygotes.

Submissions (5):

Labcorp Genetics (formerly Invitae), Labcorp
Classification: Uncertain significance for Neurofibromatosis, type 2. Last evaluated: 2025-12-09. Review status: criteria provided, single submitter. Criteria: Invitae Variant Classification Sherloc (09022015). Collection method: clinical testing. Allele origin: germline.
Comment: This sequence change replaces arginine, which is basic and polar, with glycine, which is neutral and non-polar, at codon 200 of the NF2 protein (p.Arg200Gly). This variant is present in population databases (no rsID available, gnomAD 0.0009%). This variant has not been reported in the literature in individuals affected with NF2-related conditions. ClinVar contains an entry for this variant (Variation ID: 1047674). An algorithm developed to predict the effect of missense changes on protein structure and function (PolyPhen-2) suggests that this variant is likely to be tolerated. In summary, the available evidence is currently insufficient to determine the role of this variant in disease. Therefore, it has been classified as a Variant of Uncertain Significance.

GeneDx
Classification: Uncertain significance. Last evaluated: 2025-03-04. Review status: criteria provided, single submitter. Criteria: GeneDx Variant Classification Process June 2021. Collection method: clinical testing. Allele origin: germline. Affected: yes.
Comment: In silico analysis supports that this missense variant has a deleterious effect on protein structure/function; Has not been previously published as pathogenic or benign to our knowledge; This variant is associated with the following publications: (PMID: 11756419, 16324214)

Ambry Genetics
Classification: Uncertain significance for Hereditary cancer-predisposing syndrome. Last evaluated: 2024-05-31. Review status: criteria provided, single submitter. Criteria: Ambry Variant Classification Scheme 2023. Collection method: clinical testing. Allele origin: germline.
Comment: The p.R200G variant (also known as c.598A>G), located in coding exon 6 of the NF2 gene, results from an A to G substitution at nucleotide position 598. The arginine at codon 200 is replaced by glycine, an amino acid with dissimilar properties. This amino acid position is conserved. In addition, this alteration is predicted to be deleterious by in silico analysis. Since supporting evidence is limited at this time, the clinical significance of this alteration remains unclear.

All of Us Research Program, National Institutes of Health
Classification: Uncertain significance for Neurofibromatosis, type 2. Last evaluated: 2024-04-25. Review status: criteria provided, single submitter. Criteria: ACMG Guidelines, 2015. Collection method: clinical testing. Allele origin: germline. Inheritance: Autosomal dominant inheritance. Observed: 5 variant alleles, 5 heterozygotes.
Comment: This missense variant replaces arginine with glycine at codon 200 of the NF2 protein. Computational prediction suggests that this variant may have deleterious impact on protein structure and function (internally defined REVEL score threshold >= 0.7, PMID: 27666373). To our knowledge, functional studies have not been reported for this variant. This variant has not been reported in individuals affected with NF2-related disorders in the literature. This variant has been identified in 1/251136 chromosomes in the general population by the Genome Aggregation Database (gnomAD). The available evidence is insufficient to determine the role of this variant in disease conclusively. Therefore, this variant is classified as a Variant of Uncertain Significance.

This study involves interpretation of variants in research participants for the purpose of population health screening. Participant phenotype was not available at the time of variant classification. Additional details can be found in publication PMID: 35346344, PMCID: PMC8962531

Color Diagnostics, LLC DBA Color Health
Classification: Uncertain significance for Neurofibromatosis, type 2. Last evaluated: 2024-04-11. Review status: criteria provided, single submitter. Criteria: ACMG Guidelines, 2015. Collection method: clinical testing. Allele origin: germline.
Comment: This missense variant replaces arginine with glycine at codon 200 of the NF2 protein. Computational prediction suggests that this variant may have deleterious impact on protein structure and function. To our knowledge, functional studies have not been reported for this variant. This variant has not been reported in individuals affected with NF2-related disorders in the literature. This variant has been identified in 1/251136 chromosomes in the general population by the Genome Aggregation Database (gnomAD). The available evidence is insufficient to determine the role of this variant in disease conclusively. Therefore, this variant is classified as a Variant of Uncertain Significance.